The following is an entry in ClinVar:

NM_201384.3(PLEC):c.4293G>A (p.Ala1431=)

Gene: PLEC (plectin; minus strand). Cytogenetic location: 8q24.3.
Variant type: single nucleotide variant.
Coding change: c.4293G>A on transcript NM_201384.3 (MANE Select); coding-DNA position 4293, G replaced by A.
Protein change: p.Ala1431=; no amino-acid change (alanine 1431 retained).
Molecular consequence: synonymous variant.
Genome position (GRCh38, 1-based): chr8:143,925,636, C>T on the plus strand (G>A on the coding strand, the complement: PLEC is on the minus strand). VCF-style: chr8-143925636-C-T. GRCh37 (hg19) VCF-style: chr8-144999804-C-T.
Other names: c.4374G>A (NM_000445.4); c.4374G>A, p.Ala1458= (NM_000445.5); c.4251G>A, p.Ala1417= (NM_201378.4); c.4227G>A, p.Ala1409= (NM_201379.3); c.4704G>A, p.Ala1568= (NM_201380.4); c.4197G>A, p.Ala1399= (NM_201381.3); c.4293G>A, p.Ala1431= (NM_201382.4); c.4305G>A, p.Ala1435= (NM_201383.3).
Identifiers: ClinVar variation 498008 (VCV000498008.14), dbSNP rs782198489, ClinGen allele CA4926712.

ClinVar aggregate classification (germline): Conflicting classifications of pathogenicity. Review status: criteria provided, conflicting classifications (1 of 4 stars). 3 submissions from 3 submitters: Uncertain significance (1); Likely benign (1). 1 of the submissions does not count toward it. Last evaluated 2025-10-21.

Conditions:
PLEC-related disorder. Also called: PLEC-related disorders; PLEC-related condition.
Autosomal recessive limb-girdle muscular dystrophy type 2Q (LGMDR17). Also called: MUSCULAR DYSTROPHY, LIMB-GIRDLE, AUTOSOMAL RECESSIVE 17. Identifiers: Orphanet 254361, MedGen C3150989, MONDO:0013390, OMIM 613723.
Epidermolysis bullosa simplex with nail dystrophy (EBS5D). Identifiers: MedGen C4225309, MONDO:0014661, OMIM 616487.
Epidermolysis bullosa simplex 5B, with muscular dystrophy (EBS5B). Also called: EPIDERMOLYSIS BULLOSA SIMPLEX AND LIMB-GIRDLE MUSCULAR DYSTROPHY; Epidermolysis bullosa simplex with muscular dystrophy. Identifiers: Orphanet 257, MedGen C2931072, MONDO:0009181, OMIM 226670.
Epidermolysis bullosa simplex, Ogna type (EBS5A). Also called: EPIDERMOLYSIS BULLOSA SIMPLEX 5A, OGNA TYPE; Pidermolysis bullosa simplex 5A, Ogna type. Identifiers: Orphanet 79401, MedGen C0432317, MONDO:0007555, OMIM 131950.
Epidermolysis bullosa simplex 5C, with pyloric atresia (EBS5C). Also called: PLEC-Related Epidermolysis Bullosa with Pyloric Atresia; PLEC1-Related Epidermolysis Bullosa with Pyloric Atresia; Epidermolysis bullosa simplex with pyloric atresia. Identifiers: Orphanet 158684, MedGen C2677349, MONDO:0012807, OMIM 612138.

Allele frequency attached by ClinVar (database versions not stated): gnomAD exomes 0.00004 and 0.00005; TOPMed 0.00004; gnomAD 0.00006; ExAC 0.00011.
gnomAD v4.1: 74 of 1,582,876 alleles (0.0047%); highest among the groups gnomAD compares: African/African-American, 0.0067%; no homozygotes.

Submissions (3):

Labcorp Genetics (formerly Invitae), Labcorp
Classification: Likely benign for Autosomal recessive limb-girdle muscular dystrophy type 2Q; Epidermolysis bullosa simplex, Ogna type; Epidermolysis bullosa simplex with nail dystrophy; Epidermolysis bullosa simplex 5C, with pyloric atresia; Epidermolysis bullosa simplex 5B, with muscular dystrophy. Last evaluated: 2025-10-21. Review status: criteria provided, single submitter. Criteria: Invitae Variant Classification Sherloc (09022015). Collection method: clinical testing. Allele origin: germline.

Eurofins Ntd Llc (ga)
Classification: Uncertain significance. Last evaluated: 2018-07-31. Review status: criteria provided, single submitter. Criteria: EGL ClinVar v180209 classification definitions. Collection method: clinical testing. Allele origin: germline. Observed: 1 variant allele, 1 heterozygote.

PreventionGenetics, part of Exact Sciences
Classification: Likely benign for PLEC-related condition. Last evaluated: 2021-05-04. Review status: no assertion criteria provided. Collection method: clinical testing. Allele origin: germline. Not counted in ClinVar's aggregate classification.
Comment: This variant is classified as likely benign based on ACMG/AMP sequence variant interpretation guidelines (Richards et al. 2015 PMID: 25741868, with internal and published modifications).